The following is an entry in ClinVar:

ClinVar aggregate classification (germline): Uncertain significance (1 of 4 stars; one submission).

Allele frequency attached by ClinVar (database versions not stated): gnomAD exomes 0.00001; TOPMed 0.00001.
gnomAD v4.1: 11 of 1,613,874 alleles (0.00068%); highest among the groups gnomAD compares: Non-Finnish European, 0.00093%; no homozygotes.

Submission:

Labcorp Genetics (formerly Invitae), Labcorp
Classification: Uncertain significance. Last evaluated: 2024-01-31. Review status: criteria provided, single submitter. Criteria: Invitae Variant Classification Sherloc (09022015). Collection method: clinical testing. Allele origin: germline.
Comment: This sequence change replaces threonine, which is neutral and polar, with isoleucine, which is neutral and non-polar, at codon 543 of the ACAN protein (p.Thr543Ile). This variant is not present in population databases (gnomAD no frequency). This variant has not been reported in the literature in individuals affected with ACAN-related conditions. Advanced modeling of protein sequence and biophysical properties (such as structural, functional, and spatial information, amino acid conservation, physicochemical variation, residue mobility, and thermodynamic stability) performed at Invitae indicates that this missense variant is not expected to disrupt ACAN protein function with a negative predictive value of 80%. In summary, the available evidence is currently insufficient to determine the role of this variant in disease. Therefore, it has been classified as a Variant of Uncertain Significance.

NM_001369268.1(ACAN):c.1628C>T (p.Thr543Ile)

Gene: ACAN (aggrecan; plus strand). Cytogenetic location: 15q26.1.
Variant type: single nucleotide variant.
Coding change: c.1628C>T on transcript NM_001369268.1 (MANE Select); coding-DNA position 1628, C replaced by T.
Protein change: p.Thr543Ile; replaces threonine 543 with isoleucine.
Molecular consequence: missense variant.
Genome position (GRCh38, 1-based): chr15:88,847,934, C>T. VCF-style: chr15-88847934-C-T. GRCh37 (hg19) VCF-style: chr15-89391165-C-T.
Other names: c.1628C>T, p.Thr543Ile (NM_001135.4, NM_001411096.1, NM_001411097.1 and 1 more transcripts); short protein forms T543I.
Identifiers: ClinVar variation 2997458 (VCV002997458.3), dbSNP rs1896835359, ClinGen allele CA393710910.